The following is an entry in ClinVar:

NM_203475.3(PORCN):c.1274C>T (p.Thr425Ile)

Gene: PORCN (porcupine O-acyltransferase; plus strand). Cytogenetic location: Xp11.23.
Variant type: single nucleotide variant.
Coding change: c.1274C>T on transcript NM_203475.3 (MANE Select); coding-DNA position 1274, C replaced by T.
Protein change: p.Thr425Ile; replaces threonine 425 with isoleucine.
Molecular consequence: missense variant.
Genome position (GRCh38, 1-based): chrX:48,517,283, C>T. VCF-style: chrX-48517283-C-T. GRCh37 (hg19) VCF-style: chrX-48375671-C-T.
Other names: c.1028C>T, p.Thr343Ile (NM_001282167.2); c.1241C>T, p.Thr414Ile (NM_022825.4); c.1259C>T, p.Thr420Ile (NM_203473.3); c.1256C>T, p.Thr419Ile (NM_203474.1); c.1274C>T (NM_203475.2); short protein forms T420I, T425I, T419I, T343I, T414I.
Identifiers: ClinVar variation 588092 (VCV000588092.8), dbSNP rs146322406, ClinGen allele CA10402920.

ClinVar aggregate classification (germline): Benign/Likely benign. Review status: criteria provided, multiple submitters, no conflicts (2 of 4 stars). 3 submissions from 3 submitters: Benign (1); Likely benign (1). 1 of the submissions does not count toward it. Last evaluated 2025-06-04.

Conditions:
PORCN-related disorder. Also called: PORCN-related condition.
Inborn genetic diseases. Identifiers: MedGen C0950123, MeSH D030342.

Allele frequency attached by ClinVar (database versions not stated): gnomAD exomes 0.00005 and 0.00016; ExAC 0.00019; gnomAD 0.00044 and 0.00045; ESP Exome Variant Server 0.00058; TOPMed 0.00078; 1000 Genomes Project 0.00132; 1000 Genomes Project 30x 0.00146.
gnomAD v4.1: 101 of 1,152,694 alleles (0.0088%); highest among the groups gnomAD compares: African/African-American, 0.17%; no homozygotes.

Submissions (3):

Labcorp Genetics (formerly Invitae), Labcorp
Classification: Benign. Last evaluated: 2025-06-04. Review status: criteria provided, single submitter. Criteria: Invitae Variant Classification Sherloc (09022015). Collection method: clinical testing. Allele origin: germline.

Ambry Genetics
Classification: Likely benign for Inborn genetic diseases. Last evaluated: 2023-03-21. Review status: criteria provided, single submitter. Criteria: Ambry Variant Classification Scheme 2023. Collection method: clinical testing. Allele origin: germline.

PreventionGenetics, part of Exact Sciences
Classification: Likely benign for PORCN-related condition. Last evaluated: 2019-11-12. Review status: no assertion criteria provided. Collection method: clinical testing. Allele origin: germline. Not counted in ClinVar's aggregate classification.
Comment: This variant is classified as likely benign based on ACMG/AMP sequence variant interpretation guidelines (Richards et al. 2015 PMID: 25741868, with internal and published modifications).